The following is an entry in ClinVar:

NM_000059.4(BRCA2):c.4593A>C (p.Lys1531Asn)

Gene: BRCA2 (BRCA2 DNA repair associated; plus strand). Cytogenetic location: 13q13.1.
Variant type: single nucleotide variant.
Coding change: c.4593A>C on transcript NM_000059.4 (MANE Select); coding-DNA position 4593, A replaced by C.
Protein change: p.Lys1531Asn; replaces lysine 1531 with asparagine.
Molecular consequence: missense variant.
Genome position (GRCh38, 1-based): chr13:32,338,948, A>C. VCF-style: chr13-32338948-A-C. GRCh37 (hg19) VCF-style: chr13-32913085-A-C.
Other names: short protein forms K1531N.
Identifiers: ClinVar variation 441326 (VCV000441326.18), dbSNP rs386833397, ClinGen allele CA387781943.

ClinVar aggregate classification (germline): Conflicting classifications of pathogenicity. Review status: criteria provided, conflicting classifications (1 of 4 stars). 4 submissions from 4 submitters: Uncertain significance (3); Likely benign (1). Last evaluated 2026-09-01.

Conditions:
Hereditary cancer-predisposing syndrome. Also called: Hereditary neoplastic syndrome; Tumor predisposition; Neoplastic Syndromes, Hereditary; Hereditary Cancer Syndrome. Identifiers: Orphanet 140162, MedGen C0027672, MeSH D009386, MONDO:0015356.
Hereditary breast ovarian cancer syndrome. Also called: Hereditary breast and ovarian cancer syndrome; Hereditary breast and ovarian cancer syndrome (HBOC); Hereditary breast and ovarian cancer; Breast and ovarian cancer; BRCA1- and BRCA2-Associated Hereditary Breast and Ovarian Cancer; Hereditary breast and/or ovarian cancer syndrome. Identifiers: Orphanet 145, MedGen C0677776, MeSH D061325, MONDO:0003582. Disease mechanism: loss of function.

Submissions (4):

CeGaT Center for Human Genetics Tuebingen
Classification: Uncertain significance. Last evaluated: 2026-09-01. Review status: criteria provided, single submitter. Criteria: CeGaT Center For Human Genetics Tuebingen Variant Classification Criteria Version 2. Collection method: clinical testing. Allele origin: germline. Affected: yes. Observed: 1 variant allele.
Comment: BRCA2: PM2, BP4

University of Washington Department of Laboratory Medicine, University of Washington
Classification: Likely benign for Hereditary cancer-predisposing syndrome. Last evaluated: 2023-03-23. Review status: criteria provided, single submitter. Criteria: Dines et al. (Genet Med. 2020). Collection method: curation. Allele origin: germline.
Comment: Missense variant in a coldspot region where missense variants are very unlikely to be pathogenic (PMID:31911673).

BRCA2 exon 11 coldspot. Reclassification based on statistical prior probability.

Ambry Genetics
Classification: Uncertain significance for Hereditary cancer-predisposing syndrome. Last evaluated: 2020-10-25. Review status: criteria provided, single submitter. Criteria: Ambry Variant Classification Scheme 2023. Collection method: clinical testing. Allele origin: germline.
Comment: The p.K1531N variant (also known as c.4593A>C), located in coding exon 10 of the BRCA2 gene, results from an A to C substitution at nucleotide position 4593. The lysine at codon 1531 is replaced by asparagine, an amino acid with similar properties. This amino acid position is not well conserved in available vertebrate species. In addition, this alteration is predicted to be tolerated by in silico analysis. Since supporting evidence is limited at this time, the clinical significance of this alteration remains unclear.

Labcorp Genetics (formerly Invitae), Labcorp
Classification: Uncertain significance for Hereditary breast ovarian cancer syndrome. Last evaluated: 2019-06-19. Review status: criteria provided, single submitter. Criteria: Invitae Variant Classification Sherloc (09022015). Collection method: clinical testing. Allele origin: germline.
Comment: This variant has not been reported in the literature in individuals with BRCA2-related disease. ClinVar contains an entry for this variant (Variation ID: 441326). In summary, the available evidence is currently insufficient to determine the role of this variant in disease. Therefore, it has been classified as a Variant of Uncertain Significance. Algorithms developed to predict the effect of missense changes on protein structure and function are either unavailable or do not agree on the potential impact of this missense change (SIFT: "Deleterious"; PolyPhen-2: "Possibly Damaging"; Align-GVGD: "Class C0"). This variant is not present in population databases (ExAC no frequency). This sequence change replaces lysine with asparagine at codon 1531 of the BRCA2 protein (p.Lys1531Asn). The lysine residue is highly conserved and there is a moderate physicochemical difference between lysine and asparagine.